The following is an entry in ClinVar:

NM_000260.4(MYO7A):c.735+3G>T

Gene: MYO7A (myosin VIIA; plus strand). Cytogenetic location: 11q13.5.
Variant type: single nucleotide variant.
Coding change: c.735+3G>T on transcript NM_000260.4 (MANE Select); 3 bases into the intron after coding-DNA position 735, G replaced by T.
Molecular consequence: intron variant.
Genome position (GRCh38, 1-based): chr11:77,157,007, G>T. VCF-style: chr11-77157007-G-T. GRCh37 (hg19) VCF-style: chr11-76868053-G-T.
Other names: c.702+3G>T (NM_001369365.1); c.735+3G>T (NM_001127180.2).
Identifiers: ClinVar variation 3663605 (VCV003663605.2).
Genomic context (GRCh38, chr11:77,157,007, plus strand): 5'-CATCGAGGGCGCGAAGATTGAGCAGTACCTGCTGGAAAAGTCACGTGTCTGTCGCCAGGT[G>T]GGCCTGAGCCCCAGGGATGCAGGAATAGACCCAGGCCCCTGGCCTCAGGGGTCTGCGTGG-3'

ClinVar aggregate classification (germline): Uncertain significance (1 of 4 stars; one submission).

Submission:

Labcorp Genetics (formerly Invitae), Labcorp
Classification: Uncertain significance. Last evaluated: 2024-08-28. Review status: criteria provided, single submitter. Criteria: Invitae Variant Classification Sherloc (09022015). Collection method: clinical testing. Allele origin: germline.
Comment: This sequence change falls in intron 7 of the MYO7A gene. It does not directly change the encoded amino acid sequence of the MYO7A protein. It affects a nucleotide within the consensus splice site. This variant is not present in population databases (gnomAD no frequency). This variant has not been reported in the literature in individuals affected with MYO7A-related conditions. Variants that disrupt the consensus splice site are a relatively common cause of aberrant splicing (PMID: 17576681, 9536098). Algorithms developed to predict the effect of sequence changes on RNA splicing suggest that this variant is not likely to affect RNA splicing. In summary, the available evidence is currently insufficient to determine the role of this variant in disease. Therefore, it has been classified as a Variant of Uncertain Significance.

Literature cited by the submitters: PubMed 17576681; PubMed 9536098.